The following is an entry in ClinVar:

NM_000209.4(PDX1):c.395G>A (p.Gly132Asp)

Gene: PDX1 (pancreatic and duodenal homeobox 1; plus strand). Cytogenetic location: 13q12.2.
Variant type: single nucleotide variant.
Coding change: c.395G>A on transcript NM_000209.4 (MANE Select); coding-DNA position 395, G replaced by A.
Protein change: p.Gly132Asp; replaces glycine 132 with aspartic acid.
Molecular consequence: missense variant.
Genome position (GRCh38, 1-based): chr13:27,920,533, G>A. VCF-style: chr13-27920533-G-A. GRCh37 (hg19) VCF-style: chr13-28494670-G-A.
Other names: short protein forms G132D.
Identifiers: ClinVar variation 1801839 (VCV001801839.1), dbSNP rs757558416, ClinGen allele CA6927631.

ClinVar aggregate classification (germline): Uncertain risk allele (1 of 4 stars; one submission).

Conditions:
Pancreatic hypoplasia. Identifiers: MedGen C0266267, HP:0002594.

Allele frequency attached by ClinVar (database versions not stated): gnomAD 0.00001; gnomAD exomes 0.00003; ExAC 0.00005.
gnomAD v4.1: 37 of 1,612,922 alleles (0.0023%); highest among the groups gnomAD compares: South Asian, 0.04%; no homozygotes.

Submission:

Clinical Genomics, Uppaluri K&H Personalized Medicine Clinic
Classification: Uncertain risk allele for Pancreatic hypoplasia. Review status: criteria provided, single submitter. Criteria: K&H Uppaluri Personalized Medicine Clinic Variant Classification & Assertion Criteria. Collection method: research. Allele origin: unknown. Inheritance: Autosomal recessive inheritance.
Comment: Potent homozygous mutations in the PDX1 gene can lead to pancreatic agenesis/pancreatic hypoplasia and neonatal diabetes mellitus. However no sufficient evidence is found to ascertain the role of this particular variant rs757558416, yet.

Literature cited by the submitters: PubMed 31366392; PubMed 19855005; PubMed 29396371; PubMed 28436541; PubMed 27386488; PubMed 19817786.